The following is an entry in ClinVar:

NM_002519.3(NPAT):c.907A>T (p.Ser303Cys)

Gene: NPAT (nuclear protein, coactivator of histone transcription; minus strand). Cytogenetic location: 11q22.3.
Variant type: single nucleotide variant.
Coding change: c.907A>T on transcript NM_002519.3 (MANE Select); coding-DNA position 907, A replaced by T.
Protein change: p.Ser303Cys; replaces serine 303 with cysteine.
Molecular consequence: missense variant.
Genome position (GRCh38, 1-based): chr11:108,177,090, T>A on the plus strand (A>T on the coding strand, the complement: NPAT is on the minus strand). VCF-style: chr11-108177090-T-A. GRCh37 (hg19) VCF-style: chr11-108047817-T-A.
Other names: c.907A>T, p.Ser303Cys (NM_001321307.1); short protein forms S303C.
Identifiers: ClinVar variation 3407199 (VCV003407199.1).
Genomic context (GRCh38, chr11:108,177,090, plus strand): 5'-GGTCTGATTCTGTCTGTTCCAATATGTCCTGTATAGCTTCTTCAGACATGTGAATTTCAC[T>A]CTGCAAGAAAGGAGTGGCGTGAAGGCATGATTCTAACTGAATTTATATATATTTACATAT-3'
Protein context (NP_002510.2, residues 293-313): TSIDEFLGLP[Ser303Cys]EIHMSEEAIQ

ClinVar aggregate classification (germline): Uncertain significance (1 of 4 stars; one submission).

Submission:

Ambry Genetics
Classification: Uncertain significance. Last evaluated: 2024-08-24. Review status: criteria provided, single submitter. Criteria: Ambry Variant Classification Scheme 2023. Collection method: clinical testing. Allele origin: germline.
Comment: The p.S303C variant (also known as c.907A>T) is located in coding exon 11 of the NPAT gene. The serine at codon 303 is replaced by cysteine, an amino acid with dissimilar properties. This change occurs in the first base pair of coding exon 11. This amino acid position is conserved. In addition, this alteration is predicted to be tolerated by in silico analysis. Based on the available evidence, the clinical significance of this variant remains unclear.